The following is an entry in ClinVar:

NM_001286159.2(CCDC83):c.579C>T (p.Asp193=)

Gene: CCDC83 (coiled-coil domain containing 83; plus strand). Cytogenetic location: 11q14.1.
Variant type: single nucleotide variant.
Coding change: c.579C>T on transcript NM_001286159.2 (MANE Select); coding-DNA position 579, C replaced by T.
Protein change: p.Asp193=; no amino-acid change (aspartic acid 193 retained).
Molecular consequence: synonymous variant.
Genome position (GRCh38, 1-based): chr11:85,895,360, C>T. VCF-style: chr11-85895360-C-T. GRCh37 (hg19) VCF-style: chr11-85606403-C-T.
Other names: c.579C>T, p.Asp193= (NM_173556.5).
Identifiers: ClinVar variation 2642247 (VCV002642247.24), dbSNP rs767831424, ClinGen allele CA6215213.

ClinVar aggregate classification (germline): Likely benign (1 of 4 stars; one submission).

Allele frequency attached by ClinVar (database versions not stated): gnomAD 0.00001; gnomAD exomes 0.00001; ExAC 0.00002.
gnomAD v4.1: 11 of 1,569,066 alleles (0.0007%); highest among the groups gnomAD compares: Admixed American, 0.0018%; no homozygotes.

Submission:

CeGaT Center for Human Genetics Tuebingen
Classification: Likely benign. Last evaluated: 2023-02-01. Review status: criteria provided, single submitter. Criteria: CeGaT Center For Human Genetics Tuebingen Variant Classification Criteria Version 2. Collection method: clinical testing. Allele origin: germline. Affected: yes. Observed: 1 variant allele.
Comment: CCDC83: BP4, BP7